The following is an entry in ClinVar:

NM_001378454.1(ALMS1):c.11515A>G (p.Thr3839Ala)

Gene: ALMS1 (ALMS1 centrosome and basal body associated protein; plus strand). Cytogenetic location: 2p13.1.
Variant type: single nucleotide variant.
Coding change: c.11515A>G on transcript NM_001378454.1 (MANE Select); coding-DNA position 11515, A replaced by G.
Protein change: p.Thr3839Ala; replaces threonine 3839 with alanine.
Molecular consequence: missense variant.
Genome position (GRCh38, 1-based): chr2:73,573,392, A>G. VCF-style: chr2-73573392-A-G. GRCh37 (hg19) VCF-style: chr2-73800519-A-G.
Other names: c.11518A>G, p.Thr3840Ala (NM_015120.4); short protein forms T3840A, T3839A.
Identifiers: ClinVar variation 1434644 (VCV001434644.4), dbSNP rs761578558, ClinGen allele CA1715215.
Genomic context (GRCh38, chr2:73,573,392, plus strand): 5'-TACCTTGAGAAGCGGAGCAAACACAGCAAGAAAGTGCTGAATACAGGTCATCCCCTAGTG[A>G]CTTCTGAGCACACCAGAAGGAGACACATCCAGGTACATGGCTACAGATTCCATCTGGCAA-3'
Protein context (NP_001365383.1, residues 3829-3849): KVLNTGHPLV[Thr3839Ala]SEHTRRRHIQ

ClinVar aggregate classification (germline): Conflicting classifications of pathogenicity. Review status: criteria provided, conflicting classifications (1 of 4 stars). 2 submissions from 2 submitters: Uncertain significance (1); Likely benign (1). Last evaluated 2025-11-12.

Conditions:
Cardiovascular phenotype. Identifiers: MedGen CN230736.
Alstrom syndrome (ALMS). Identifiers: Orphanet 64, MedGen C0268425, MONDO:0008763, OMIM 203800.

Allele frequency attached by ClinVar (database versions not stated): gnomAD exomes below 0.00001; ExAC 0.00001.
gnomAD v4.1: 1 of 1,614,048 alleles (0.000062%); highest among the groups gnomAD compares: Non-Finnish European, 0.000085%; no homozygotes.

Submissions (2):

Ambry Genetics
Classification: Likely benign for Cardiovascular phenotype. Last evaluated: 2025-11-12. Review status: criteria provided, single submitter. Criteria: Ambry Variant Classification Scheme 2023. Collection method: clinical testing. Allele origin: germline.

Labcorp Genetics (formerly Invitae), Labcorp
Classification: Uncertain significance for Alstrom syndrome. Last evaluated: 2022-02-10. Review status: criteria provided, single submitter. Criteria: Invitae Variant Classification Sherloc (09022015). Collection method: clinical testing. Allele origin: germline.
Comment: This sequence change replaces threonine with alanine at codon 3840 of the ALMS1 protein (p.Thr3840Ala). The threonine residue is highly conserved and there is a small physicochemical difference between threonine and alanine. This variant is present in population databases (rs761578558, gnomAD 0.0009%). This variant has not been reported in the literature in individuals affected with ALMS1-related conditions. Experimental studies and prediction algorithms are not available or were not evaluated, and the functional significance of this variant is currently unknown. In summary, the available evidence is currently insufficient to determine the role of this variant in disease. Therefore, it has been classified as a Variant of Uncertain Significance.